The following is an entry in ClinVar:

ClinVar aggregate classification (germline): Uncertain significance (1 of 4 stars; one submission).

Allele frequency attached by ClinVar (database versions not stated): gnomAD exomes below 0.00001.
gnomAD v4.1: 1 of 1,603,442 alleles (0.000062%); highest among the groups gnomAD compares: Non-Finnish European, 0.000085%; no homozygotes.

Submission:

Labcorp Genetics (formerly Invitae), Labcorp
Classification: Uncertain significance. Last evaluated: 2024-06-26. Review status: criteria provided, single submitter. Criteria: Invitae Variant Classification Sherloc (09022015). Collection method: clinical testing. Allele origin: germline.
Comment: This sequence change replaces proline, which is neutral and non-polar, with serine, which is neutral and polar, at codon 430 of the JAK1 protein (p.Pro430Ser). This variant is not present in population databases (gnomAD no frequency). This variant has not been reported in the literature in individuals affected with JAK1-related conditions. Advanced modeling of protein sequence and biophysical properties (such as structural, functional, and spatial information, amino acid conservation, physicochemical variation, residue mobility, and thermodynamic stability) performed at Invitae indicates that this missense variant is not expected to disrupt JAK1 protein function with a negative predictive value of 80%. In summary, the available evidence is currently insufficient to determine the role of this variant in disease. Therefore, it has been classified as a Variant of Uncertain Significance.

NM_002227.4(JAK1):c.1288C>T (p.Pro430Ser)

Gene: JAK1 (Janus kinase 1; minus strand). Cytogenetic location: 1p31.3.
Variant type: single nucleotide variant.
Coding change: c.1288C>T on transcript NM_002227.4 (MANE Select); coding-DNA position 1288, C replaced by T.
Protein change: p.Pro430Ser; replaces proline 430 with serine.
Molecular consequence: missense variant.
Genome position (GRCh38, 1-based): chr1:64,860,151, G>A on the plus strand (C>T on the coding strand, the complement: JAK1 is on the minus strand). VCF-style: chr1-64860151-G-A. GRCh37 (hg19) VCF-style: chr1-65325834-G-A.
Other names: c.1288C>T, p.Pro430Ser (NM_001320923.2, NM_001321852.2, NM_001321853.2 and 4 more transcripts); short protein forms P430S.
Identifiers: ClinVar variation 2895604 (VCV002895604.3), dbSNP rs2101072675, ClinGen allele CA340671182.